The following is an entry in ClinVar:

NM_016111.4(TELO2):c.1317C>T (p.Ala439=)

Gene: TELO2 (telomere maintenance 2; plus strand). Cytogenetic location: 16p13.3.
Variant type: single nucleotide variant.
Coding change: c.1317C>T on transcript NM_016111.4 (MANE Select); coding-DNA position 1317, C replaced by T.
Protein change: p.Ala439=; no amino-acid change (alanine 439 retained).
Molecular consequence: synonymous variant.
Genome position (GRCh38, 1-based): chr16:1,501,455, C>T. VCF-style: chr16-1501455-C-T. GRCh37 (hg19) VCF-style: chr16-1551456-C-T.
Other names: c.1317C>T, p.Ala439= (NM_001351846.2).
Identifiers: ClinVar variation 3023922 (VCV003023922.17), dbSNP rs369875591, ClinGen allele CA7812068.

ClinVar aggregate classification (germline): Likely benign. Review status: criteria provided, multiple submitters, no conflicts (2 of 4 stars). 2 submissions from 2 submitters: Likely benign (2). Last evaluated 2026-01-16.

Allele frequency attached by ClinVar (database versions not stated): gnomAD 0.00005; TOPMed 0.00007; ESP Exome Variant Server 0.00008; gnomAD exomes 0.00009; ExAC 0.00014.
gnomAD v4.1: 136 of 1,611,912 alleles (0.0084%); highest among the groups gnomAD compares: Middle Eastern, 0.18%; no homozygotes.

Submissions (2):

Labcorp Genetics (formerly Invitae), Labcorp
Classification: Likely benign. Last evaluated: 2026-01-16. Review status: criteria provided, single submitter. Criteria: Invitae Variant Classification Sherloc (09022015). Collection method: clinical testing. Allele origin: germline.

CeGaT Center for Human Genetics Tuebingen
Classification: Likely benign. Last evaluated: 2024-09-01. Review status: criteria provided, single submitter. Criteria: CeGaT Center For Human Genetics Tuebingen Variant Classification Criteria Version 2. Collection method: clinical testing. Allele origin: germline. Affected: yes. Observed: 1 variant allele.
Comment: TELO2: BP4, BP7